The following is an entry in ClinVar:

NM_002335.4(LRP5):c.1699A>G (p.Ser567Gly)

Gene: LRP5 (LDL receptor related protein 5; plus strand). Cytogenetic location: 11q13.2.
Variant type: single nucleotide variant.
Coding change: c.1699A>G on transcript NM_002335.4 (MANE Select); coding-DNA position 1699, A replaced by G.
Protein change: p.Ser567Gly; replaces serine 567 with glycine.
Molecular consequence: missense variant. On other transcripts: 5 prime UTR variant (1).
Genome position (GRCh38, 1-based): chr11:68,403,597, A>G. VCF-style: chr11-68403597-A-G. GRCh37 (hg19) VCF-style: chr11-68171065-A-G.
Other names: c.-239A>G (NM_001291902.2); short protein forms S567G.
Identifiers: ClinVar variation 3675141 (VCV003675141.2).

ClinVar aggregate classification (germline): Uncertain significance (1 of 4 stars; one submission).

gnomAD v4.1: 1 of 1,614,196 alleles (0.000062%); highest among the groups gnomAD compares: South Asian, 0.0011%; no homozygotes.

Submission:

Labcorp Genetics (formerly Invitae), Labcorp
Classification: Uncertain significance. Last evaluated: 2024-12-07. Review status: criteria provided, single submitter. Criteria: Invitae Variant Classification Sherloc (09022015). Collection method: clinical testing. Allele origin: germline.
Comment: This sequence change replaces serine, which is neutral and polar, with glycine, which is neutral and non-polar, at codon 567 of the LRP5 protein (p.Ser567Gly). This variant is present in population databases (no rsID available, gnomAD 0.003%). This variant has not been reported in the literature in individuals affected with LRP5-related conditions. Invitae Evidence Modeling of protein sequence and biophysical properties (such as structural, functional, and spatial information, amino acid conservation, physicochemical variation, residue mobility, and thermodynamic stability) has been performed for this missense variant. However, the output from this modeling did not meet the statistical confidence thresholds required to predict the impact of this variant on LRP5 protein function. In summary, the available evidence is currently insufficient to determine the role of this variant in disease. Therefore, it has been classified as a Variant of Uncertain Significance.